The following is an entry in ClinVar:

NM_001321075.3(DLG4):c.787+31A>G

Gene: DLG4 (discs large MAGUK scaffold protein 4; minus strand). Cytogenetic location: 17p13.1.
Variant type: single nucleotide variant.
Coding change: c.787+31A>G on transcript NM_001321075.3 (MANE Select); 31 bases into the intron after coding-DNA position 787, A replaced by G.
Molecular consequence: intron variant.
Genome position (GRCh38, 1-based): chr17:7,202,872, T>C on the plus strand (A>G on the coding strand, the complement: DLG4 is on the minus strand). VCF-style: chr17-7202872-T-C. GRCh37 (hg19) VCF-style: chr17-7106191-T-C.
Other names: c.916+31A>G (NM_001365.5); c.778+31A>G (NM_001128827.4); c.706+31A>G (NM_001369566.3); c.607+31A>G (NM_001321077.3, NM_001321076.3); c.907+31A>G (NM_001321074.1).
Identifiers: ClinVar variation 2647319 (VCV002647319.24), dbSNP rs183574494, ClinGen allele CA8337121.
Genomic context (GRCh38, chr17:7,202,872, plus strand): 5'-AGAGGGACAGCTACAGGGATGTCGTGGGACTGCATGTCATGGGTTAAACGGGATGGGTCA[T>C]GGGGAACTTTGGTGTTTGAAGGGCTCTCACAGGTTGTGATGTCTGGGGGAGCATAGCTGT-3'

ClinVar aggregate classification (germline): Likely benign (1 of 4 stars; one submission).

Allele frequency attached by ClinVar (database versions not stated): 1000 Genomes Project 30x 0.00078; 1000 Genomes Project 0.00100; TOPMed 0.00275; gnomAD 0.00278; ExAC 0.00287; gnomAD exomes 0.00328; ESP Exome Variant Server 0.00339.
gnomAD v4.1: 5,204 of 1,613,264 alleles (0.32%); highest among the groups gnomAD compares: Non-Finnish European, 0.39%; 17 homozygotes.

Submission:

CeGaT Center for Human Genetics Tuebingen
Classification: Likely benign. Last evaluated: 2026-08-01. Review status: criteria provided, single submitter. Criteria: CeGaT Center For Human Genetics Tuebingen Variant Classification Criteria Version 2. Collection method: clinical testing. Allele origin: germline. Affected: yes. Observed: 12 variant alleles.
Comment: DLG4: PP2, BS2